The following is an entry in ClinVar:

NM_001360016.2(G6PD):c.94C>T (p.His32Tyr)

Genes: G6PD (glucose-6-phosphate dehydrogenase; minus strand), IKBKG (inhibitor of nuclear factor kappa B kinase regulatory subunit gamma; plus strand). Cytogenetic location: Xq28.
Variant type: single nucleotide variant.
Coding change: c.94C>T on transcript NM_001360016.2 (MANE Select); coding-DNA position 94, C replaced by T.
Protein change: p.His32Tyr; replaces histidine 32 with tyrosine.
Molecular consequence: missense variant. On other transcripts: intron variant (4).
Genome position (GRCh38, 1-based): chrX:154,546,062, G>A on the plus strand (C>T on the coding strand, the complement: G6PD is on the minus strand). VCF-style: chrX-154546062-G-A. GRCh37 (hg19) VCF-style: chrX-153774277-G-A.
Other names: c.184C>T, p.His62Tyr (NM_000402.4); c.94C>T, p.His32Tyr (NM_001042351.3); c.-16+4671G>A (NM_001377312.1, NM_001377313.1); c.189+3610G>A (NM_001099856.6); c.-16+3675G>A (NM_001321396.3); short protein forms H62Y, H32Y.
Identifiers: ClinVar variation 1468590 (VCV001468590.8), dbSNP rs2070702973, ClinGen allele CA415202009.

ClinVar aggregate classification (germline): Conflicting classifications of pathogenicity. Review status: criteria provided, conflicting classifications (1 of 4 stars). 2 submissions from 2 submitters: Likely pathogenic (1); Uncertain significance (1). Last evaluated 2025-06-05.

Conditions:
Anemia, nonspherocytic hemolytic, due to G6PD deficiency (CNSHA1). Also called: Hemolytic anemia due to G6PD deficiency; Class I glucose-6-phosphate dehydrogenase deficiency; Favism, susceptibility to; ANEMIA, CONGENITAL, NONSPHEROCYTIC HEMOLYTIC, 1. Identifiers: Orphanet 466026, MedGen C2720289, MONDO:0010480, OMIM 300908.

Allele frequency attached by ClinVar (database versions not stated): gnomAD exomes below 0.00001; TOPMed below 0.00001.
gnomAD v4.1: 2 of 1,211,305 alleles (0.00017%); highest among the groups gnomAD compares: African/African-American, 0.0035%; no homozygotes.

Submissions (2):

Women's Health and Genetics/Laboratory Corporation of America, LabCorp
Classification: Uncertain significance. Last evaluated: 2025-06-05. Review status: criteria provided, single submitter. Criteria: LabCorp Variant Classification Summary - May 2015. Collection method: clinical testing. Allele origin: germline.
Comment: Variant summary: G6PD c.184C>T (p.His62Tyr) results in a conservative amino acid change in the encoded protein sequence. Algorithms developed to predict the effect of missense changes on protein structure and function are either unavailable or do not agree on the potential impact of this missense change. The variant was absent in 182995 control chromosomes. The available data on variant occurrences in the general population are insufficient to allow any conclusion about variant significance. To our knowledge, no occurrence of c.184C>T in individuals affected with Glucose 6 Phosphate Dehydrogenase Deficiency and no experimental evidence demonstrating its impact on protein function have been reported. A different variant affecting the same codon has been classified as likely pathogenic/pathogenic by our lab (c.185A>G, &same_codon_pdot&), supporting the critical relevance of codon 62 to G6PD protein function. ClinVar contains an entry for this variant (Variation ID: 1468590). Based on the evidence outlined above, the variant was classified as uncertain significance.

Labcorp Genetics (formerly Invitae), Labcorp
Classification: Likely pathogenic for Anemia, nonspherocytic hemolytic, due to G6PD deficiency. Last evaluated: 2020-11-17. Review status: criteria provided, single submitter. Criteria: Invitae Variant Classification Sherloc (09022015). Collection method: clinical testing. Allele origin: germline.
Comment: This sequence change replaces histidine with tyrosine at codon 32 of the G6PD protein (p.His32Tyr). The histidine residue is moderately conserved and there is a moderate physicochemical difference between histidine and tyrosine. This variant is not present in population databases (ExAC no frequency). This variant has not been reported in the literature in individuals with G6PD-related conditions. Advanced modeling of protein sequence and biophysical properties (such as structural, functional, and spatial information, amino acid conservation, physicochemical variation, residue mobility, and thermodynamic stability) performed at Invitae indicates that this missense variant is expected to disrupt G6PD protein function. This variant disrupts the p.His32 amino acid residue in G6PD. Other variant(s) that disrupt this residue have been determined to be pathogenic (PMID: 29339739, 11601226, 30315739, 16329560, 10502785). This suggests that this residue is clinically significant, and that variants that disrupt this residue are likely to be disease-causing. In summary, the currently available evidence indicates that the variant is pathogenic, but additional data are needed to prove that conclusively. Therefore, this variant has been classified as Likely Pathogenic.

Literature cited by the submitters: PubMed 29339739 (cited by Labcorp Genetics (formerly Invitae), Labcorp); PubMed 11601226 (cited by Labcorp Genetics (formerly Invitae), Labcorp); PubMed 30315739 (cited by Labcorp Genetics (formerly Invitae), Labcorp); PubMed 16329560 (cited by Labcorp Genetics (formerly Invitae), Labcorp); PubMed 10502785 (cited by Labcorp Genetics (formerly Invitae), Labcorp).